The following is an entry in ClinVar:

NM_001171.6(ABCC6):c.998+2_998+3del

Gene: ABCC6 (ATP binding cassette subfamily C member 6; minus strand). Cytogenetic location: 16p13.11.
Variant type: Deletion.
Coding change: c.998+2_998+3del on transcript NM_001171.6 (MANE Select); the canonical splice donor site of the intron after coding-DNA position 998 through 3 bases into the intron after coding-DNA position 998, 2 bases deleted (TG; older notation c.998+2_998+3delTG).
Molecular consequence: splice donor variant.
Genome position (GRCh38, 1-based): chr16:16,203,407-16,203,408, CA deleted on the plus strand (TG on the coding strand, the reverse complement: ABCC6 is on the minus strand); deleting any 2 consecutive bases within chr16:16,203,407-16,203,409 gives the same sequence; the c. name uses the placement nearest the transcript's 3' end. VCF-style (leftmost placement, unchanged base first): chr16-16203406-TCA-T. GRCh37 (hg19) VCF-style: chr16-16297263-TCA-T.
Other names: c.998+2_998+3delTG (NM_001171.5); c.656+2_656+3del (NM_001351800.1).
Identifiers: ClinVar variation 433414 (VCV000433414.7), dbSNP rs72664204, ClinGen allele CA7926503.

ClinVar aggregate classification (germline): Pathogenic/Likely pathogenic. Review status: criteria provided, multiple submitters, no conflicts (2 of 4 stars). 4 submissions from 4 submitters: Pathogenic (1); Likely pathogenic (2). 1 of the submissions does not count toward it. Last evaluated 2024-08-20.

Conditions:
Autosomal recessive inherited pseudoxanthoma elasticum (PXE). Identifiers: Orphanet 758, MedGen CN032334, MONDO:0009925, OMIM 264800.
ABCC6-related disorder. Also called: ABCC6-related condition.
Arterial calcification, generalized, of infancy, 2. Identifiers: Orphanet 51608, MedGen C3276161, MONDO:0013768, OMIM 614473.
Pseudoxanthoma elasticum, forme fruste. Also called: Pseudoxanthoma Elasticum, Incomplete; PSEUDOXANTHOMA ELASTICUM, HETEROZYGOUS. Identifiers: Orphanet 758, MedGen C1867450, MONDO:0008333, OMIM 177850.

Submissions (4):

Blueprint Genetics
Classification: Likely pathogenic for ABCC6-related disorders. Last evaluated: 2024-08-20. Review status: criteria provided, single submitter. Criteria: ACMG Guidelines, 2015. Collection method: clinical testing. Allele origin: germline. Affected: yes. Observed: 5 variant alleles.

Fulgent Genetics
Classification: Likely pathogenic for Pseudoxanthoma elasticum, forme fruste; Autosomal recessive inherited pseudoxanthoma elasticum; Arterial calcification, generalized, of infancy, 2. Last evaluated: 2024-04-02. Review status: criteria provided, single submitter. Criteria: ACMG Guidelines, 2015. Collection method: clinical testing. Allele origin: germline.

PreventionGenetics, part of Exact Sciences
Classification: Pathogenic for ABCC6-related condition. Last evaluated: 2023-07-31. Review status: criteria provided, single submitter. Criteria: ACMG Guidelines, 2015. Collection method: clinical testing. Allele origin: germline.
Comment: The ABCC6 c.998+2_998+3delTG variant is predicted to result in a deletion affecting a canonical splice site. This variant has been reported in individuals with pseudoxanthoma elasticum and in at least one individual it was reported in the compound heterozygous state (reported as IVS8+2delTG in Chassaing et al. 2005. PubMed ID: 15894595; Table S1, Saeidian et al. 2021. PubMed ID: 34906475). This variant is reported in 0.00088% of alleles in individuals of European (Non-Finnish) descent in gnomAD. Variants that disrupt the canonical splice donor site are expected to be pathogenic. This variant is interpreted as pathogenic.

PXE International
Classification: Likely pathogenic for Autosomal recessive inherited pseudoxanthoma elasticum. Last evaluated: 2021-03-02. Review status: no assertion criteria provided. Collection method: research. Allele origin: germline. Inheritance: Autosomal recessive inheritance. Affected: yes. Observed: 3 variant alleles. Clinical features observed: Stroke disorder (HP:0001297), Papule (HP:0200034), Skin plaque (HP:0200035), Angioid streaks (HP:0001102), Vascular surgery, Angina pectoris (HP:0001681), Abnormal EKG (HP:0003115), Abnormally lax or hyperextensible skin (HP:0008067), Intermittent claudication (HP:0004417). Not counted in ClinVar's aggregate classification.

Literature cited by the submitters: PubMed 15894595 (cited by PXE International).